The following is an entry in ClinVar:

NM_001399.5(EDA):c.1115A>G (p.Asn372Ser)

Gene: EDA (ectodysplasin A; plus strand). Cytogenetic location: Xq13.1.
Variant type: single nucleotide variant.
Coding change: c.1115A>G on transcript NM_001399.5 (MANE Select); coding-DNA position 1115, A replaced by G.
Protein change: p.Asn372Ser; replaces asparagine 372 with serine.
Molecular consequence: missense variant.
Genome position (GRCh38, 1-based): chrX:70,035,548, A>G. VCF-style: chrX-70035548-A-G. GRCh37 (hg19) VCF-style: chrX-69255398-A-G.
Other names: c.1109A>G, p.Asn370Ser (NM_001005609.2); c.1100A>G, p.Asn367Ser (NM_001005612.3); c.1106A>G, p.Asn369Ser (NM_001440761.1); c.1073A>G, p.Asn358Ser (NM_001440762.1); short protein forms N358S, N367S, N369S, N370S, N372S.
Identifiers: ClinVar variation 4537247 (VCV004537247.1).
Genomic context (GRCh38, chrX:70,035,548, plus strand): 5'-GCCTCCTCAAGGCCCGGCAGAAGATCGCCGTCAAGATGGTGCACGCTGACATCTCCATCA[A>G]CATGAGCAAGCACACCACGTTCTTTGGGGCCATCAGGCTGGGTGAAGCCCCTGCATCCTA-3'
Protein context (NP_001390.1, residues 362-382): VKMVHADISI[Asn372Ser]MSKHTTFFGA

ClinVar aggregate classification (germline): Uncertain significance (1 of 4 stars; one submission).

Submission:

Women's Health and Genetics/Laboratory Corporation of America, LabCorp
Classification: Uncertain significance. Last evaluated: 2025-11-24. Review status: criteria provided, single submitter. Criteria: LabCorp Variant Classification Summary - May 2015. Collection method: clinical testing. Allele origin: germline.
Comment: Variant summary: EDA c.1115A>G (p.Asn372Ser) results in a conservative amino acid change in the encoded protein sequence. Algorithms developed to predict the effect of missense changes on protein structure and function are either unavailable or do not agree on the potential impact of this missense change. The variant was absent in 182228 control chromosomes (gnomAD). The available data on variant occurrences in the general population are insufficient to allow any conclusion about variant significance. To our knowledge, no occurrence of c.1115A>G in individuals affected with EDA-related conditions and no experimental evidence demonstrating its impact on protein function have been reported. No submitters have cited clinical-significance assessments for this variant to ClinVar. Based on the evidence outlined above, the variant was classified as uncertain significance.